The following is an entry in ClinVar:

ClinVar aggregate classification (germline): Likely benign (1 of 4 stars; one submission).

Allele frequency attached by ClinVar (database versions not stated): TOPMed below 0.00001; gnomAD 0.00001.
gnomAD v4.1: 5 of 1,612,920 alleles (0.00031%); highest among the groups gnomAD compares: Non-Finnish European, 0.00034%; no homozygotes.

Submission:

CeGaT Center for Human Genetics Tuebingen
Classification: Likely benign. Last evaluated: 2022-11-01. Review status: criteria provided, single submitter. Criteria: CeGaT Center For Human Genetics Tuebingen Variant Classification Criteria Version 2. Collection method: clinical testing. Allele origin: germline. Affected: yes. Observed: 1 variant allele.
Comment: GRIN2B: BP4, BP7

NM_000834.5(GRIN2B):c.447A>T (p.Ser149=)

Gene: GRIN2B (glutamate ionotropic receptor NMDA type subunit 2B; minus strand). Cytogenetic location: 12p13.1.
Variant type: single nucleotide variant.
Coding change: c.447A>T on transcript NM_000834.5 (MANE Select); coding-DNA position 447, A replaced by T.
Protein change: p.Ser149=; no amino-acid change (serine 149 retained).
Molecular consequence: synonymous variant.
Genome position (GRCh38, 1-based): chr12:13,753,880, T>A on the plus strand (A>T on the coding strand, the complement: GRIN2B is on the minus strand). VCF-style: chr12-13753880-T-A. GRCh37 (hg19) VCF-style: chr12-13906814-T-A.
Other names: c.447A>T, p.Ser149= (NM_001413992.1, NM_001413993.1, NM_001413994.1 and 1 more transcripts).
Identifiers: ClinVar variation 1701189 (VCV001701189.31), dbSNP rs1309787373, ClinGen allele CA478853541.